The following is an entry in ClinVar:

ClinVar aggregate classification (germline): Likely benign (1 of 4 stars; one submission).

Submission:

GeneDx
Classification: Likely benign. Last evaluated: 2019-10-06. Review status: criteria provided, single submitter. Criteria: GeneDx Variant Classification Process June 2021. Collection method: clinical testing. Allele origin: germline. Affected: yes.
Comment: See Variant Classification Assertion Criteria.

NM_015268.4(DNAJC13):c.2292-107_2292-104del

Gene: DNAJC13 (DnaJ heat shock protein family (Hsp40) member C13; plus strand). Cytogenetic location: 3q22.1.
Variant type: Deletion.
Coding change: c.2292-107_2292-104del on transcript NM_015268.4 (MANE Select); 107 bases into the intron before coding-DNA position 2292 through 104 bases into the intron before coding-DNA position 2292, 4 bases deleted (CCTT; older notation c.2292-107_2292-104delCCTT).
Molecular consequence: intron variant.
Genome position (GRCh38, 1-based): chr3:132,474,825-132,474,828, CCTT deleted. VCF-style (leftmost placement, unchanged base first): chr3-132474824-CCCTT-C. GRCh37 (hg19) VCF-style: chr3-132193668-CCCTT-C.
Other names: c.2307-107_2307-104del (NM_001329126.2).
Identifiers: ClinVar variation 4795402 (VCV004795402.1).